The following is an entry in ClinVar:

ClinVar aggregate classification (germline): Benign/Likely benign. Review status: criteria provided, multiple submitters, no conflicts (2 of 4 stars). 3 submissions from 3 submitters: Benign (1); Likely benign (2). Last evaluated 2024-10-01.

Conditions:
Hereditary cancer-predisposing syndrome. Also called: Hereditary Cancer Syndrome; Hereditary neoplastic syndrome; Neoplastic Syndromes, Hereditary; Tumor predisposition. Identifiers: Orphanet 140162, MedGen C0027672, MeSH D009386, MONDO:0015356.
Familial cancer of breast. Also called: Hereditary breast cancer; BREAST CANCER, FAMILIAL; hereditary breast carcinoma. Identifiers: Orphanet 227535, MedGen C0346153, MONDO:0016419, OMIM 114480. Disease mechanism: loss of function.

Submissions (3):

Myriad Genetics, Inc.
Classification: Benign for Familial cancer of breast. Last evaluated: 2024-10-01. Review status: criteria provided, single submitter. Criteria: Myriad Autosomal Dominant, Autosomal Recessive and X-Linked Classification Criteria (2023). Collection method: clinical testing. Allele origin: unknown.
Comment: This variant is considered benign. This variant is a silent/synonymous amino acid change and it is not expected to impact splicing.

Labcorp Genetics (formerly Invitae), Labcorp
Classification: Likely benign for Familial cancer of breast. Last evaluated: 2023-03-14. Review status: criteria provided, single submitter. Criteria: Invitae Variant Classification Sherloc (09022015). Collection method: clinical testing. Allele origin: germline.

Ambry Genetics
Classification: Likely benign for Hereditary cancer-predisposing syndrome. Last evaluated: 2019-11-07. Review status: criteria provided, single submitter. Criteria: Ambry Variant Classification Scheme 2023. Collection method: clinical testing. Allele origin: germline.

NM_007194.4(CHEK2):c.117C>T (p.Ser39=)

Gene: CHEK2 (checkpoint kinase 2; minus strand). Cytogenetic location: 22q12.1.
Variant type: single nucleotide variant.
Coding change: c.117C>T on transcript NM_007194.4 (MANE Select); coding-DNA position 117, C replaced by T.
Protein change: p.Ser39=; no amino-acid change (serine 39 retained).
Molecular consequence: synonymous variant.
Genome position (GRCh38, 1-based): chr22:28,734,605, G>A on the plus strand (C>T on the coding strand, the complement: CHEK2 is on the minus strand). VCF-style: chr22-28734605-G-A. GRCh37 (hg19) VCF-style: chr22-29130593-G-A.
Other names: c.117C>T, p.Ser39= (NM_001005735.3, NM_001349956.3, NM_145862.3); c.-661C>T (NM_001257387.3).
Identifiers: ClinVar variation 1741798 (VCV001741798.6), dbSNP rs2146151376, ClinGen allele CA513946599.